The following is an entry in ClinVar:

ClinVar aggregate classification (germline): Pathogenic (0 of 4 stars; one submission).

Conditions:
Bardet-Biedl syndrome 5 (BBS5). Identifiers: Orphanet 110, MedGen C3892039, MONDO:0014434, OMIM 615983.

Submission:

Laboratory of Nephrology, Qingdao Municipal Hospital
Classification: Pathogenic for Bardet-Biedl syndrome 5. Last evaluated: 2021-10-05. Review status: no assertion criteria provided. Collection method: clinical testing. Allele origin: inherited. Inheritance: Autosomal recessive inheritance. Affected: yes.
Comment: NM_152384.3:c.1A>G,( p.Met1?) is an initiation codon variant, other different variants at the same amino acid position have been reported (Am J Ophthalmol. 2015;160(2):364-372.e1.;Hum Genet. 2010;127(5):583-593.& J Med Genet. 2010;47(4):262-267.).

Literature cited by the submitters: PubMed 11342895.

NM_152384.3(BBS5):c.1A>G (p.Met1Val)

Genes: BBS5 (Bardet-Biedl syndrome 5; plus strand), LOC129935068 (ATAC-STARR-seq lymphoblastoid active region 16738; plus strand). Cytogenetic location: 2q31.1.
Variant type: single nucleotide variant.
Coding change: c.1A>G on transcript NM_152384.3 (MANE Select); coding-DNA position 1, A replaced by G.
Protein change: p.Met1Val; changes the start codon (methionine 1).
Molecular consequence: missense variant, initiator codon variant.
Genome position (GRCh38, 1-based): chr2:169,479,554, A>G. VCF-style: chr2-169479554-A-G. GRCh37 (hg19) VCF-style: chr2-170336064-A-G.
Other names: short protein forms M1V.
Identifiers: ClinVar variation 1679817 (VCV001679817.4), dbSNP rs536117380, ClinGen allele CA349158112.